The following is an entry in ClinVar:

ClinVar aggregate classification (germline): Uncertain significance (0 of 4 stars; one submission).

Conditions:
Prostate cancer. Also called: Malignant tumor of prostate. Identifiers: Orphanet 1331, MedGen C0376358, MONDO:0008315, HP:0012125.

Allele frequency attached by ClinVar (database versions not stated): gnomAD exomes below 0.00001.
gnomAD v4.1: 1 of 1,613,272 alleles (0.000062%); no homozygotes.

Submission:

Science for Life laboratory,  Karolinska Institutet
Classification: Uncertain significance for Malignant tumor of prostate. Review status: no assertion criteria provided. Collection method: not provided. Allele origin: somatic.
Comment: TumorID:SWE-1
ClinVar note: Converted during submission from Unknown to Uncertain significance.

NM_005618.4(DLL1):c.1711C>A (p.Leu571Met)

Gene: DLL1 (delta like canonical Notch ligand 1; minus strand). Cytogenetic location: 6q27.
Variant type: single nucleotide variant.
Coding change: c.1711C>A on transcript NM_005618.4 (MANE Select); coding-DNA position 1711, C replaced by A.
Protein change: p.Leu571Met; replaces leucine 571 with methionine.
Molecular consequence: missense variant.
Genome position (GRCh38, 1-based): chr6:170,283,568, G>T on the plus strand (C>A on the coding strand, the complement: DLL1 is on the minus strand). VCF-style: chr6-170283568-G-T. GRCh37 (hg19) VCF-style: chr6-170592656-G-T.
Other names: short protein forms L571M.
Identifiers: ClinVar variation 161637 (VCV000161637.2), dbSNP rs193920766, ClinGen allele CA174506.